The following is an entry in ClinVar:

NM_001042492.3(NF1):c.7921G>T (p.Glu2641Ter)

Gene: NF1 (neurofibromin 1; plus strand). Cytogenetic location: 17q11.2.
Variant type: single nucleotide variant.
Coding change: c.7921G>T on transcript NM_001042492.3 (MANE Select); coding-DNA position 7921, G replaced by T.
Protein change: p.Glu2641Ter; replaces glutamic acid 2641 with a stop codon.
Molecular consequence: nonsense.
Genome position (GRCh38, 1-based): chr17:31,357,320, G>T. VCF-style: chr17-31357320-G-T. GRCh37 (hg19) VCF-style: chr17-29684338-G-T.
Other names: c.7858G>T, p.Glu2620Ter (NM_000267.4); short protein forms E2641*, E2620*.
Identifiers: ClinVar variation 2842057 (VCV002842057.4), dbSNP rs2151583310, ClinGen allele CA399203460.

ClinVar aggregate classification (germline): Pathogenic. Review status: criteria provided, multiple submitters, no conflicts (2 of 4 stars). 2 submissions from 2 submitters: Pathogenic (2). Last evaluated 2026-08-20.

Conditions:
Neurofibromatosis, type 1 (NF1). Also called: VON RECKLINGHAUSEN DISEASE; Peripheral type neurofibromatosis; NEUROFIBROMATOSIS, TYPE I, SOMATIC; Neurofibromatosis, type I. Identifiers: Orphanet 636, MedGen C0027831, MONDO:0018975, OMIM 162200. Disease mechanism: loss of function.
Hereditary cancer-predisposing syndrome. Also called: Hereditary Cancer Syndrome; Hereditary neoplastic syndrome; Neoplastic Syndromes, Hereditary; Tumor predisposition. Identifiers: Orphanet 140162, MedGen C0027672, MeSH D009386, MONDO:0015356.
Cardiovascular phenotype. Identifiers: MedGen CN230736.

Submissions (2):

Ambry Genetics
Classification: Pathogenic for Cardiovascular phenotype; Hereditary cancer-predisposing syndrome. Last evaluated: 2026-08-20. Review status: criteria provided, single submitter. Criteria: Ambry Variant Classification Scheme 2023. Collection method: clinical testing. Allele origin: germline.
Comment: The p.E2620* pathogenic mutation (also known as c.7858G>T), located in coding exon 53 of the NF1 gene, results from a G to T substitution at nucleotide position 7858. This changes the amino acid from a glutamic acid to a stop codon within coding exon 53. This variant is considered to be rare based on population cohorts in the Genome Aggregation Database (gnomAD). This variant is expected to result in loss of function by premature protein truncation or nonsense-mediated mRNA decay. As such, this variant is interpreted as a disease-causing mutation.

Labcorp Genetics (formerly Invitae), Labcorp
Classification: Pathogenic for Neurofibromatosis, type 1. Last evaluated: 2024-03-06. Review status: criteria provided, single submitter. Criteria: Invitae Variant Classification Sherloc (09022015). Collection method: clinical testing. Allele origin: germline.
Comment: This sequence change creates a premature translational stop signal (p.Glu2620*) in the NF1 gene. It is expected to result in an absent or disrupted protein product. Loss-of-function variants in NF1 are known to be pathogenic (PMID: 10712197, 23913538). This variant is not present in population databases (gnomAD no frequency). This variant has not been reported in the literature in individuals affected with NF1-related conditions. Algorithms developed to predict the effect of sequence changes on RNA splicing suggest that this variant may disrupt the consensus splice site. For these reasons, this variant has been classified as Pathogenic.

Literature cited by the submitters: PubMed 10712197 (cited by Labcorp Genetics (formerly Invitae), Labcorp); PubMed 23913538 (cited by Labcorp Genetics (formerly Invitae), Labcorp).